The following is an entry in ClinVar:

ClinVar aggregate classification (germline): Uncertain significance (1 of 4 stars; one submission).

Submission:

Labcorp Genetics (formerly Invitae), Labcorp
Classification: Uncertain significance. Last evaluated: 2023-03-23. Review status: criteria provided, single submitter. Criteria: Invitae Variant Classification Sherloc (09022015). Collection method: clinical testing. Allele origin: germline.
Comment: In summary, the available evidence is currently insufficient to determine the role of this variant in disease. Therefore, it has been classified as a Variant of Uncertain Significance. This sequence change replaces glutamic acid, which is acidic and polar, with glutamine, which is neutral and polar, at codon 1372 of the C3 protein (p.Glu1372Gln). This variant is not present in population databases (gnomAD no frequency). This variant has not been reported in the literature in individuals affected with C3-related conditions. Advanced modeling of protein sequence and biophysical properties (such as structural, functional, and spatial information, amino acid conservation, physicochemical variation, residue mobility, and thermodynamic stability) performed at Invitae indicates that this missense variant is not expected to disrupt C3 protein function.

NM_000064.4(C3):c.4114G>C (p.Glu1372Gln)

Gene: C3 (complement C3; minus strand). Cytogenetic location: 19p13.3.
Variant type: single nucleotide variant.
Coding change: c.4114G>C on transcript NM_000064.4 (MANE Select); coding-DNA position 4114, G replaced by C.
Protein change: p.Glu1372Gln; replaces glutamic acid 1372 with glutamine.
Molecular consequence: missense variant.
Genome position (GRCh38, 1-based): chr19:6,684,566, C>G on the plus strand (G>C on the coding strand, the complement: C3 is on the minus strand). VCF-style: chr19-6684566-C-G. GRCh37 (hg19) VCF-style: chr19-6684577-C-G.
Other names: short protein forms E1372Q.
Identifiers: ClinVar variation 2848861 (VCV002848861.3), dbSNP rs2512232513, ClinGen allele CA403617005.
Genomic context (GRCh38, chr19:6,684,566, plus strand): 5'-ACATTAGAAGAGGGGTAGGAGGAAGGTGACAGATAAGGCCTTGATTCCTTTTACCTGTTT[C>G]CGGTGCTGGTTTTATGGTGACCTTGAGGTCGAATTTATTACAGGTGAGTTGATCTTTGGC-3'
Protein context (NP_000055.2, residues 1362-1382): DLKVTIKPAP[Glu1372Gln]TEKRPQDAKN